The following is an entry in ClinVar:

NM_001270974.2(HYDIN):c.8356C>T (p.Arg2786Ter)

Gene: HYDIN (HYDIN axonemal central pair apparatus protein; minus strand). Cytogenetic location: 16q22.2.
Variant type: single nucleotide variant.
Coding change: c.8356C>T on transcript NM_001270974.2 (MANE Select); coding-DNA position 8356, C replaced by T.
Protein change: p.Arg2786Ter; replaces arginine 2786 with a stop codon.
Molecular consequence: nonsense.
Genome position (GRCh38, 1-based): chr16:70,908,292, G>A on the plus strand (C>T on the coding strand, the complement: HYDIN is on the minus strand). VCF-style: chr16-70908292-G-A. GRCh37 (hg19) VCF-style: chr16-70942195-G-A.
Other names: short protein forms R2786*.
Identifiers: ClinVar variation 3340583 (VCV003340583.1).
Genomic context (GRCh38, chr16:70,908,292, plus strand): 5'-TTAAAATGAAACACACTTACTTTGGGTCTTGGCAAATGTATGGGTAAGTGCAGATGCCTC[G>A]GCAGTAGAGCTGGTACTGGCAGCAAGTTCCTAGGATCTCAAAGTTAAAGGTTTGGTCAAA-3'

ClinVar aggregate classification (germline): Likely pathogenic (1 of 4 stars; one submission).

Submission:

GeneDx
Classification: Likely pathogenic. Last evaluated: 2023-05-12. Review status: criteria provided, single submitter. Criteria: GeneDx Variant Classification Process June 2021. Collection method: clinical testing. Allele origin: germline. Affected: yes.
Comment: Nonsense variant predicted to result in protein truncation or nonsense mediated decay in a gene for which loss of function is a known mechanism of disease; This variant is associated with the following publications: (PMID: 29363216)